The following is an entry in ClinVar:

ClinVar aggregate classification (germline): Uncertain significance (1 of 4 stars; one submission).

Conditions:
Inborn genetic diseases. Identifiers: MedGen C0950123, MeSH D030342.

Submission:

Ambry Genetics
Classification: Uncertain significance for Inborn genetic diseases. Last evaluated: 2025-09-29. Review status: criteria provided, single submitter. Criteria: Ambry Variant Classification Scheme 2023. Collection method: clinical testing. Allele origin: germline.
Comment: The p.N849H variant (also known as c.2545A>C), located in coding exon 12 of the BMPR2 gene, results from an A to C substitution at nucleotide position 2545. The asparagine at codon 849 is replaced by histidine, an amino acid with similar properties. This amino acid position is conserved. In addition, this alteration is predicted to be tolerated by in silico analysis. Based on the available evidence, the clinical significance of this variant remains unclear.

NM_001204.7(BMPR2):c.2545A>C (p.Asn849His)

Gene: BMPR2 (bone morphogenetic protein receptor type 2; plus strand). Cytogenetic location: 2q33.2.
Variant type: single nucleotide variant.
Coding change: c.2545A>C on transcript NM_001204.7 (MANE Select); coding-DNA position 2545, A replaced by C.
Protein change: p.Asn849His; replaces asparagine 849 with histidine.
Molecular consequence: missense variant.
Genome position (GRCh38, 1-based): chr2:202,556,210, A>C. VCF-style: chr2-202556210-A-C. GRCh37 (hg19) VCF-style: chr2-203420933-A-C.
Other names: short protein forms N849H.
Identifiers: ClinVar variation 4597153 (VCV004597153.1).